The following is an entry in ClinVar:

Conditions:
Long QT syndrome 5 (LQT5). Identifiers: Orphanet 101016, Orphanet 768, MedGen C1867904, MONDO:0013372, OMIM 613695.

Submission:

Roden Lab, Vanderbilt University Medical Center
No classification provided (evidence only). Condition: Long QT syndrome 5. Review status: no classification provided. Collection method: in vitro. Allele origin: not applicable. Functional consequence: Effect on ion channel function.
ClinVar note: "not provided" was previously submitted as the classification for the variant. However, the classification appeared to be based only on an observation of functional data so it was converted to no classification on 2025-07-30.

NM_000219.6(KCNE1):c.284T>G (p.Val95Gly)

Gene: KCNE1 (potassium voltage-gated channel subfamily E regulatory subunit 1; minus strand). Cytogenetic location: 21q22.12.
Variant type: single nucleotide variant.
Coding change: c.284T>G on transcript NM_000219.6 (MANE Select); coding-DNA position 284, T replaced by G.
Protein change: p.Val95Gly; replaces valine 95 with glycine.
Molecular consequence: missense variant.
Genome position (GRCh38, 1-based): chr21:34,449,351, A>C on the plus strand (T>G on the coding strand, the complement: KCNE1 is on the minus strand). VCF-style: chr21-34449351-A-C. GRCh37 (hg19) VCF-style: chr21-35821649-A-C.
Other names: c.284T>G, p.Val95Gly (NM_001127668.4, NM_001127669.4, NM_001127670.4 and 4 more transcripts); short protein forms V95G.
Identifiers: ClinVar variation 3374532 (VCV003374532.2).